The following is an entry in ClinVar:

NM_006648.4(WNK2):c.5143G>C (p.Ala1715Pro)

Gene: WNK2 (WNK lysine deficient protein kinase 2; plus strand). Cytogenetic location: 9q22.31.
Variant type: single nucleotide variant.
Coding change: c.5143G>C on transcript NM_006648.4 (MANE Select); coding-DNA position 5143, G replaced by C.
Protein change: p.Ala1715Pro; replaces alanine 1715 with proline.
Molecular consequence: missense variant.
Genome position (GRCh38, 1-based): chr9:93,292,608, G>C. VCF-style: chr9-93292608-G-C. GRCh37 (hg19) VCF-style: chr9-96054890-G-C.
Other names: c.5254G>C, p.Ala1752Pro (NM_001282394.3); short protein forms A1715P, A1752P.
Identifiers: ClinVar variation 5031990 (VCV005031990.1).

ClinVar aggregate classification (germline): Uncertain significance (1 of 4 stars; one submission).

Submission:

Ambry Genetics
Classification: Uncertain significance. Last evaluated: 2026-09-12. Review status: criteria provided, single submitter. Criteria: Ambry Variant Classification Scheme 2023. Collection method: clinical testing. Allele origin: germline.
Comment: The p.A1715P variant (also known as c.5143G>C), located in coding exon 22 of the WNK2 gene, results from a G to C substitution at nucleotide position 5143. The alanine at codon 1715 is replaced by proline, an amino acid with highly similar properties. This amino acid position is conserved. In addition, this alteration is predicted to be tolerated by in silico analysis. Based on the available evidence, the clinical significance of this variant remains unclear.